The following is an entry in ClinVar:

ClinVar aggregate classification (germline): Benign/Likely benign. Review status: criteria provided, multiple submitters, no conflicts (2 of 4 stars). 2 submissions from 2 submitters: Benign (1); Likely benign (1). Last evaluated 2026-06-17.

Conditions:
Gastrointestinal stromal tumor. Also called: Gastrointestinal stromal tumor, somatic; Gastrointestinal stroma tumor. Identifiers: Orphanet 44890, MedGen C0238198, MeSH D046152, MONDO:0011719, OMIM 606764, HP:0100723.
Polyps, multiple and recurrent inflammatory fibroid, gastrointestinal. Identifiers: MedGen C5193005, MONDO:0008285, OMIM 175510.

Submissions (2):

Myriad Genetics, Inc.
Classification: Benign for Polyps, multiple and recurrent inflammatory fibroid, gastrointestinal. Last evaluated: 2026-06-17. Review status: criteria provided, single submitter. Criteria: Myriad Autosomal Dominant, Autosomal Recessive and X-Linked Classification Criteria (2023). Collection method: clinical testing. Allele origin: unknown.
Comment: This variant is considered benign. This variant is a silent/synonymous amino acid change and it is not expected to impact splicing.

Labcorp Genetics (formerly Invitae), Labcorp
Classification: Likely benign for Gastrointestinal stromal tumor. Last evaluated: 2024-09-18. Review status: criteria provided, single submitter. Criteria: Invitae Variant Classification Sherloc (09022015). Collection method: clinical testing. Allele origin: germline.

NM_006206.6(PDGFRA):c.2520C>T (p.Ala840=)

Gene: PDGFRA (platelet derived growth factor receptor alpha; plus strand). Cytogenetic location: 4q12.
Variant type: single nucleotide variant.
Coding change: c.2520C>T on transcript NM_006206.6 (MANE Select); coding-DNA position 2520, C replaced by T.
Protein change: p.Ala840=; no amino-acid change (alanine 840 retained).
Molecular consequence: synonymous variant.
Genome position (GRCh38, 1-based): chr4:54,285,921, C>T. VCF-style: chr4-54285921-C-T. GRCh37 (hg19) VCF-style: chr4-55152088-C-T.
Other names: c.2595C>T, p.Ala865= (NM_001347828.2); c.2520C>T, p.Ala840= (NM_001347829.2); c.2559C>T, p.Ala853= (NM_001347830.2).
Identifiers: ClinVar variation 3621212 (VCV003621212.3).